The following is an entry in ClinVar:

NM_000161.3(GCH1):c.309G>C (p.Gln103His)

Gene: GCH1 (GTP cyclohydrolase 1; minus strand). Cytogenetic location: 14q22.2.
Variant type: single nucleotide variant.
Coding change: c.309G>C on transcript NM_000161.3 (MANE Select); coding-DNA position 309, G replaced by C.
Protein change: p.Gln103His; replaces glutamine 103 with histidine.
Molecular consequence: missense variant.
Genome position (GRCh38, 1-based): chr14:54,902,355, C>G on the plus strand (G>C on the coding strand, the complement: GCH1 is on the minus strand). VCF-style: chr14-54902355-C-G. GRCh37 (hg19) VCF-style: chr14-55369073-C-G.
Other names: c.309G>C, p.Gln103His (NM_001024024.2, NM_001024070.2, NM_001024071.2 and 1 more transcripts); short protein forms Q103H.
Identifiers: ClinVar variation 4293865 (VCV004293865.1).

ClinVar aggregate classification (germline): Uncertain significance (1 of 4 stars; one submission).

Conditions:
Dystonia 5 (DRD). Also called: DYT-GCH1; DYSTONIA, PROGRESSIVE, WITH DIURNAL VARIATION; DYSTONIA-PARKINSONISM WITH DIURNAL FLUCTUATION; GTP Cyclohydrolase 1-Deficient Dopa-Responsive Dystonia; Dystonia, DOPA-responsive, with or without hyperphenylalaninemia. Identifiers: Orphanet 98808, MedGen C1851920, MONDO:0007495, OMIM 128230.

Submission:

3billion
Classification: Uncertain significance for Dystonia 5. Last evaluated: 2024-11-11. Review status: criteria provided, single submitter. Criteria: ACMG Guidelines, 2015. Collection method: clinical testing. Allele origin: germline. Affected: yes.
Comment: The variant is not observed in the gnomAD v4.1.0 dataset. Predicted Consequence/Location: Missense variant In silico tool predictions suggest damaging effect of the variant on gene or gene product [REVEL: 0.77 (>=0.6, sensitivity 0.68 and specificity 0.92); 3Cnet: 0.93 (>=0.6, sensitivity 0.72 and precision 0.9)]. The same nucleotide change resulting in the same amino acid change has been previously reported to be associated with GCH1 related disorder (PMID: 22473768).A different missense change at the same codon (p.Gln103Pro) has been reported to be associated with GCH1 related disorder (PMID: 15753436). However the evidence of pathogenicity is insufficient at this time. Therefore, this variant is classified as VUS according to the recommendation of ACMG/AMP guideline.

Literature cited by the submitters: PubMed 22473768; PubMed 15753436.